The following is an entry in ClinVar:

ClinVar aggregate classification (germline): Likely benign. Review status: criteria provided, multiple submitters, no conflicts (2 of 4 stars). 3 submissions from 3 submitters: Likely benign (3). Last evaluated 2026-08-25.

Conditions:
USH2A-related disorder. Also called: USH2A-related disorders; USH2A-related condition. Identifiers: MedGen CN239332.

Allele frequency attached by ClinVar (database versions not stated): ExAC 0.00001; 1000 Genomes Project 30x 0.00016; 1000 Genomes Project 0.00020.
gnomAD v4.1: 26 of 1,613,900 alleles (0.0016%); highest among the groups gnomAD compares: African/African-American, 0.019%; no homozygotes.

Submissions (3):

PreventionGenetics, part of Exact Sciences
Classification: Likely benign for USH2A-related condition. Last evaluated: 2026-08-25. Review status: criteria provided, single submitter. Criteria: ACMG Guidelines, 2015. Collection method: clinical testing. Allele origin: germline.
Comment: This variant is classified as likely benign based on ACMG/AMP sequence variant interpretation guidelines (Richards et al. 2015 PMID: 25741868, with internal and published modifications).

Labcorp Genetics (formerly Invitae), Labcorp
Classification: Likely benign. Last evaluated: 2025-05-05. Review status: criteria provided, single submitter. Criteria: Invitae Variant Classification Sherloc (09022015). Collection method: clinical testing. Allele origin: germline.

Blueprint Genetics
Classification: Likely benign. Last evaluated: 2023-06-02. Review status: criteria provided, single submitter. Criteria: ACMG Guidelines, 2015. Collection method: clinical testing. Allele origin: germline.

NM_206933.4(USH2A):c.423T>A (p.Ser141=)

Gene: USH2A (usherin; minus strand). Cytogenetic location: 1q41.
Variant type: single nucleotide variant.
Coding change: c.423T>A on transcript NM_206933.4 (MANE Select); coding-DNA position 423, T replaced by A.
Protein change: p.Ser141=; no amino-acid change (serine 141 retained).
Molecular consequence: synonymous variant.
Genome position (GRCh38, 1-based): chr1:216,421,914, A>T on the plus strand (T>A on the coding strand, the complement: USH2A is on the minus strand). VCF-style: chr1-216421914-A-T. GRCh37 (hg19) VCF-style: chr1-216595256-A-T.
Other names: c.423T>A (NM_206933.2); c.423T>A, p.Ser141= (NM_007123.6).
Identifiers: ClinVar variation 1654848 (VCV001654848.10), dbSNP rs201770382, ClinGen allele CA1396797.